The following is an entry in ClinVar:

NM_024740.2(ALG9):c.1567A>G (p.Met523Val)

Gene: ALG9 (ALG9 alpha-1,2-mannosyltransferase; minus strand). Cytogenetic location: 11q23.1.
Variant type: single nucleotide variant.
Coding change: c.1567A>G on transcript NM_024740.2 (MANE Select); coding-DNA position 1567, A replaced by G.
Protein change: p.Met523Val; replaces methionine 523 with valine.
Molecular consequence: missense variant. On other transcripts: non-coding transcript variant (1).
Genome position (GRCh38, 1-based): chr11:111,836,200, T>C on the plus strand (A>G on the coding strand, the complement: ALG9 is on the minus strand). VCF-style: chr11-111836200-T-C. GRCh37 (hg19) VCF-style: chr11-111706923-T-C.
Other names: c.1546A>G, p.Met516Val (NM_001077690.1, NM_001352417.1); c.1054A>G, p.Met352Val (NM_001077691.2, NM_001352413.1, NM_001352414.2 and 1 more transcripts); c.1033A>G, p.Met345Val (NM_001077692.2, NM_001352409.1, NM_001352410.1 and 6 more transcripts); c.1423A>G, p.Met475Val (NM_001352418.1); c.958A>G, p.Met320Val (NM_001352422.2); c.910A>G, p.Met304Val (NM_001352423.2); short protein forms M304V, M516V, M523V, M345V, M352V, M475V, M320V.
Identifiers: ClinVar variation 2182290 (VCV002182290.5), dbSNP rs76407349, ClinGen allele CA6274390.

ClinVar aggregate classification (germline): Likely benign. Review status: criteria provided, single submitter (1 of 4 stars). 2 submissions from 2 submitters: Likely benign (1). 1 of the submissions does not count toward it. Last evaluated 2025-06-19.

Conditions:
ALG9-related disorder. Also called: ALG9-related condition.
ALG9 congenital disorder of glycosylation (CDG1L). Also called: CDG Il; CONGENITAL DISORDER OF GLYCOSYLATION, TYPE Il; ALG9-CDG. Identifiers: Orphanet 79328, MedGen C2931006, MONDO:0012117, OMIM 608776.

Allele frequency attached by ClinVar (database versions not stated): TOPMed 0.00001; gnomAD 0.00014; gnomAD exomes 0.00015; 1000 Genomes Project 30x 0.00031; ExAC 0.00036; 1000 Genomes Project 0.00040.
gnomAD v4.1: 250 of 1,614,048 alleles (0.015%); highest among the groups gnomAD compares: South Asian, 0.23%; 2 homozygotes.

Submissions (2):

Labcorp Genetics (formerly Invitae), Labcorp
Classification: Likely benign for ALG9 congenital disorder of glycosylation. Last evaluated: 2025-06-19. Review status: criteria provided, single submitter. Criteria: Invitae Variant Classification Sherloc (09022015). Collection method: clinical testing. Allele origin: germline.

PreventionGenetics, part of Exact Sciences
Classification: Likely benign for ALG9-related condition. Last evaluated: 2024-05-22. Review status: no assertion criteria provided. Collection method: clinical testing. Allele origin: germline. Not counted in ClinVar's aggregate classification.
Comment: This variant is classified as likely benign based on ACMG/AMP sequence variant interpretation guidelines (Richards et al. 2015 PMID: 25741868, with internal and published modifications).